The following is an entry in ClinVar:

NM_019892.6(INPP5E):c.892A>T (p.Asn298Tyr)

Gene: INPP5E (inositol polyphosphate-5-phosphatase E; minus strand). Cytogenetic location: 9q34.3.
Variant type: single nucleotide variant.
Coding change: c.892A>T on transcript NM_019892.6 (MANE Select); coding-DNA position 892, A replaced by T.
Protein change: p.Asn298Tyr; replaces asparagine 298 with tyrosine.
Molecular consequence: missense variant.
Genome position (GRCh38, 1-based): chr9:136,434,784, T>A on the plus strand (A>T on the coding strand, the complement: INPP5E is on the minus strand). VCF-style: chr9-136434784-T-A. GRCh37 (hg19) VCF-style: chr9-139329236-T-A.
Other names: c.892A>T (NM_019892.5); c.892A>T, p.Asn298Tyr (NM_001318502.2); short protein forms N298Y.
Identifiers: ClinVar variation 848442 (VCV000848442.9), dbSNP rs1835793809, ClinGen allele CA375565831.

ClinVar aggregate classification (germline): Uncertain significance. Review status: criteria provided, multiple submitters, no conflicts (2 of 4 stars). 3 submissions from 3 submitters: Uncertain significance (3). Last evaluated 2026-03-03.

Conditions:
INPP5E-related disorder. Also called: INPP5E-related condition.
Joubert syndrome. Also called: Familial aplasia of the vermis; JOUBERT-BOLTSHAUSER SYNDROME. Identifiers: Orphanet 475, MedGen C5979921, MONDO:0018772.
Joubert syndrome 1 (JBTS1). Also called: Cerebellooculorenal syndrome 1; CEREBELLOPARENCHYMAL DISORDER IV. Identifiers: MedGen C4551568, MONDO:0008944, OMIM 213300.
MORM syndrome (MORMS). Identifiers: Orphanet 75858, MedGen C1857802, MONDO:0012423, OMIM 610156.

Allele frequency attached by ClinVar (database versions not stated): gnomAD 0.00001; TOPMed 0.00003.
gnomAD v4.1: 1 of 1,611,616 alleles (0.000062%); highest among the groups gnomAD compares: Admixed American, 0.0017%; no homozygotes.

Submissions (3):

PreventionGenetics, part of Exact Sciences
Classification: Uncertain significance for INPP5E-related condition. Last evaluated: 2026-03-03. Review status: criteria provided, single submitter. Criteria: ACMG Guidelines, 2015. Collection method: clinical testing. Allele origin: germline.
Comment: The INPP5E c.892A>T variant is predicted to result in the amino acid substitution p.Asn298Tyr. To our knowledge, this variant has not been reported in the literature or in a large population database (gnomAD), indicating this variant is rare. At this time, the clinical significance of this variant is uncertain due to the absence of conclusive functional and genetic evidence.

Fulgent Genetics
Classification: Uncertain significance for Joubert syndrome 1; MORM syndrome. Last evaluated: 2024-04-25. Review status: criteria provided, single submitter. Criteria: ACMG Guidelines, 2015. Collection method: clinical testing. Allele origin: germline.

Labcorp Genetics (formerly Invitae), Labcorp
Classification: Uncertain significance for Joubert syndrome. Last evaluated: 2023-07-21. Review status: criteria provided, single submitter. Criteria: Invitae Variant Classification Sherloc (09022015). Collection method: clinical testing. Allele origin: germline.
Comment: This variant is not present in population databases (gnomAD no frequency). In summary, the available evidence is currently insufficient to determine the role of this variant in disease. Therefore, it has been classified as a Variant of Uncertain Significance. Algorithms developed to predict the effect of missense changes on protein structure and function output the following: SIFT: "Not Available"; PolyPhen-2: "Benign"; Align-GVGD: "Not Available". The tyrosine amino acid residue is found in multiple mammalian species, which suggests that this missense change does not adversely affect protein function. ClinVar contains an entry for this variant (Variation ID: 848442). This variant has not been reported in the literature in individuals affected with INPP5E-related conditions. This sequence change replaces asparagine, which is neutral and polar, with tyrosine, which is neutral and polar, at codon 298 of the INPP5E protein (p.Asn298Tyr).